The following is an entry in ClinVar:

ClinVar aggregate classification (germline): Conflicting classifications of pathogenicity. Review status: criteria provided, conflicting classifications (1 of 4 stars). 2 submissions from 2 submitters: Uncertain significance (1); Likely benign (1). Last evaluated 2022-01-15.

Conditions:
Ataxia-telangiectasia syndrome (AT). Also called: ATAXIA-TELANGIECTASIA, FRESNO VARIANT; AT, COMPLEMENTATION GROUP C; LOUIS-BAR SYNDROME; Ataxia telangiectasia (A-T); Cerebello-oculocutaneous telangiectasia; Immunodeficiency with ataxia telangiectasia. Identifiers: Orphanet 100, MedGen C0004135, MONDO:0008840, OMIM 208900.
Hereditary cancer-predisposing syndrome. Also called: Hereditary neoplastic syndrome; Hereditary Cancer Syndrome; Neoplastic Syndromes, Hereditary; Tumor predisposition. Identifiers: Orphanet 140162, MedGen C0027672, MeSH D009386, MONDO:0015356.

Submissions (2):

Sema4
Classification: Uncertain significance for Hereditary cancer-predisposing syndrome. Last evaluated: 2022-01-15. Review status: criteria provided, single submitter. Criteria: Sema4 Curation Guidelines. Collection method: curation. Allele origin: germline.
Comment: The ATM c.73-9T>C variant has not been reported in the literature to our knowledge. This variant was not observed in the large and broad cohorts of the Genome Aggregation Database (PMID: 32461654). This variant has not been reported in ClinVar. Algorithms developed to predict the effect of sequence changes on RNA splicing suggest that this variant does not impact splicing, though these predictions have not been confirmed by functional studies. The evidence is insufficient to meet ACMG/AMP criteria for classifying the variant as benign or pathogenic. Thus, the clinical significance of this variant is currently uncertain.

Labcorp Genetics (formerly Invitae), Labcorp
Classification: Likely benign for Ataxia-telangiectasia syndrome. Last evaluated: 2021-09-25. Review status: criteria provided, single submitter. Criteria: Invitae Variant Classification Sherloc (09022015). Collection method: clinical testing. Allele origin: germline.

NM_000051.4(ATM):c.73-9T>C

Gene: ATM (ATM serine/threonine kinase; plus strand). Cytogenetic location: 11q22.3.
Variant type: single nucleotide variant.
Coding change: c.73-9T>C on transcript NM_000051.4 (MANE Select); 9 bases into the intron before coding-DNA position 73, T replaced by C.
Molecular consequence: intron variant.
Genome position (GRCh38, 1-based): chr11:108,227,767, T>C. VCF-style: chr11-108227767-T-C. GRCh37 (hg19) VCF-style: chr11-108098494-T-C.
Other names: c.73-9T>C (NM_001351834.2, NM_001351835.2, NM_001351836.2).
Identifiers: ClinVar variation 1606720 (VCV001606720.9), dbSNP rs1591446620, ClinGen allele CA2573146415.